The following is an entry in ClinVar:

ClinVar aggregate classification (germline): Uncertain significance (1 of 4 stars; one submission).

Conditions:
Adams-Oliver syndrome 5 (AOS5). Identifiers: Orphanet 974, MedGen C4014970, MONDO:0014459, OMIM 616028.

Submission:

Labcorp Genetics (formerly Invitae), Labcorp
Classification: Uncertain significance for Adams-Oliver syndrome 5. Last evaluated: 2023-08-04. Review status: criteria provided, single submitter. Criteria: Invitae Variant Classification Sherloc (09022015). Collection method: clinical testing. Allele origin: germline.
Comment: This sequence change replaces asparagine, which is neutral and polar, with lysine, which is basic and polar, at codon 1922 of the NOTCH1 protein (p.Asn1922Lys). In summary, the available evidence is currently insufficient to determine the role of this variant in disease. Therefore, it has been classified as a Variant of Uncertain Significance. Advanced modeling of protein sequence and biophysical properties (such as structural, functional, and spatial information, amino acid conservation, physicochemical variation, residue mobility, and thermodynamic stability) performed at Invitae indicates that this missense variant is expected to disrupt NOTCH1 protein function. ClinVar contains an entry for this variant (Variation ID: 1958242). This variant has not been reported in the literature in individuals affected with NOTCH1-related conditions. This variant is not present in population databases (gnomAD no frequency).

NM_017617.5(NOTCH1):c.5766C>A (p.Asn1922Lys)

Gene: NOTCH1 (notch receptor 1; minus strand). Cytogenetic location: 9q34.3.
Variant type: single nucleotide variant.
Coding change: c.5766C>A on transcript NM_017617.5 (MANE Select); coding-DNA position 5766, C replaced by A.
Protein change: p.Asn1922Lys; replaces asparagine 1922 with lysine.
Molecular consequence: missense variant.
Genome position (GRCh38, 1-based): chr9:136,500,720, G>T on the plus strand (C>A on the coding strand, the complement: NOTCH1 is on the minus strand). VCF-style: chr9-136500720-G-T. GRCh37 (hg19) VCF-style: chr9-139395172-G-T.
Other names: short protein forms N1922K.
Identifiers: ClinVar variation 1958242 (VCV001958242.5), dbSNP rs2540427827, ClinGen allele CA375637252.